The following is an entry in ClinVar:

NM_031475.3(ESPN):c.2244G>C (p.Arg748=)

Gene: ESPN (espin; plus strand). Cytogenetic location: 1p36.31.
Variant type: single nucleotide variant.
Coding change: c.2244G>C on transcript NM_031475.3 (MANE Select); coding-DNA position 2244, G replaced by C.
Protein change: p.Arg748=; no amino-acid change (arginine 748 retained).
Molecular consequence: synonymous variant.
Genome position (GRCh38, 1-based): chr1:6,452,015, G>C. VCF-style: chr1-6452015-G-C. GRCh37 (hg19) VCF-style: chr1-6512075-G-C.
Other names: c.2154G>C, p.Arg718= (NM_001367473.1); c.2181G>C, p.Arg727= (NM_001367474.1).
Identifiers: ClinVar variation 4682042 (VCV004682042.5).

ClinVar aggregate classification (germline): Likely benign (1 of 4 stars; one submission).

Submission:

CeGaT Center for Human Genetics Tuebingen
Classification: Likely benign. Last evaluated: 2025-12-01. Review status: criteria provided, single submitter. Criteria: CeGaT Center For Human Genetics Tuebingen Variant Classification Criteria Version 2. Collection method: clinical testing. Allele origin: germline. Affected: yes. Observed: 1 variant allele.
Comment: ESPN: PM2:Supporting, BP4, BP7